The following is an entry in ClinVar:

NM_172107.4(KCNQ2):c.341C>G (p.Thr114Ser)

Gene: KCNQ2 (potassium voltage-gated channel subfamily Q member 2; minus strand). Cytogenetic location: 20q13.33.
Variant type: single nucleotide variant.
Coding change: c.341C>G on transcript NM_172107.4 (MANE Select); coding-DNA position 341, C replaced by G.
Protein change: p.Thr114Ser; replaces threonine 114 with serine.
Molecular consequence: missense variant.
Genome position (GRCh38, 1-based): chr20:63,446,793, G>C on the plus strand (C>G on the coding strand, the complement: KCNQ2 is on the minus strand). VCF-style: chr20-63446793-G-C. GRCh37 (hg19) VCF-style: chr20-62078146-G-C.
Other names: c.341C>G, p.Thr114Ser (NM_001382235.1, NM_004518.6, NM_172106.3 and 2 more transcripts); short protein forms T114S.
Identifiers: ClinVar variation 952581 (VCV000952581.10), dbSNP rs1057516077, ClinGen allele CA409656456.
Genomic context (GRCh38, chr20:63,446,793, plus strand): 5'-CCCTCGGGGCTCACCAGGATGTAGAGGGCCCCCTCCGAGCTCTTCTCATACTCCTTGATG[G>C]TGGAAAACACAGACAGCACGAGGCAGGAGAAAACCAGGAGGAACCTGGGGGCAGGGAACG-3'
Protein context (NP_742105.1, residues 104-124): FSCLVLSVFS[Thr114Ser]IKEYEKSSEG

ClinVar aggregate classification (germline): Uncertain significance (1 of 4 stars; one submission).

Conditions:
Early-infantile DEE. Also called: Early infantile epileptic encephalopathy; Ohtahara syndrome; Early infantile epileptic encephalopathy with suppression bursts. Identifiers: Orphanet 1934, MedGen C0393706, MONDO:0800491.

Submission:

Labcorp Genetics (formerly Invitae), Labcorp
Classification: Uncertain significance for Early-infantile DEE. Last evaluated: 2021-05-26. Review status: criteria provided, single submitter. Criteria: Invitae Variant Classification Sherloc (09022015). Collection method: clinical testing. Allele origin: germline.
Comment: In summary, the available evidence is currently insufficient to determine the role of this variant in disease. Therefore, it has been classified as a Variant of Uncertain Significance. This variant has not been reported in the literature in individuals with KCNQ2-related conditions. ClinVar contains an entry for this variant (Variation ID: 952581). Advanced modeling of protein sequence and biophysical properties (such as structural, functional, and spatial information, amino acid conservation, physicochemical variation, residue mobility, and thermodynamic stability) performed at Invitae indicates that this missense variant is expected to disrupt KCNQ2 protein function. Algorithms developed to predict the effect of sequence changes on RNA splicing suggest that this variant may create or strengthen a splice site, but this prediction has not been confirmed by published transcriptional studies. This variant disrupts the p.Thr114 amino acid residue in KCNQ2. Other variant(s) that disrupt this residue have been observed in individuals with KCNQ2-related conditions (PMID: 22926866, 25982755, 23271449), which suggests that this may be a clinically significant amino acid residue. This sequence change replaces threonine with serine at codon 114 of the KCNQ2 protein (p.Thr114Ser). The threonine residue is highly conserved and there is a small physicochemical difference between threonine and serine. This variant is not present in population databases (ExAC no frequency).

Literature cited by the submitters: PubMed 22926866; PubMed 25982755; PubMed 23271449.